The following is an entry in ClinVar:

NM_018180.3(DHX32):c.1631A>G (p.His544Arg)

Genes: DHX32 (DEAH-box helicase 32 (putative); minus strand), BCCIP (BRCA2 and CDKN1A interacting protein; plus strand). Cytogenetic location: 10q26.2.
Variant type: single nucleotide variant.
Coding change: c.1631A>G on transcript NM_018180.3 (MANE Select); coding-DNA position 1631, A replaced by G.
Protein change: p.His544Arg; replaces histidine 544 with arginine.
Molecular consequence: missense variant. On other transcripts: intron variant (2).
Genome position (GRCh38, 1-based): chr10:125,840,909, T>C on the plus strand (A>G on the coding strand, the complement: DHX32 is on the minus strand). VCF-style: chr10-125840909-T-C. GRCh37 (hg19) VCF-style: chr10-127529478-T-C.
Other names: c.775-346T>C (NM_016567.4, NM_078469.3); short protein forms H544R.
Identifiers: ClinVar variation 4882488 (VCV004882488.2).

ClinVar aggregate classification (germline): Uncertain significance (1 of 4 stars; one submission).

Conditions:
DHX32-related retinitis pigmentosa.

gnomAD v4.1: 15 of 1,612,428 alleles (0.00093%); highest among the groups gnomAD compares: Non-Finnish European, 0.0012%; no homozygotes.

Submission:

Dasa
Classification: Uncertain significance for DHX32-related retinitis pigmentosa. Last evaluated: 2026-02-10. Review status: criteria provided, single submitter. Criteria: DASA Assertion Criteria. Collection method: clinical testing. Allele origin: germline.
Comment: NM_018180.3(DHX32):c.1631A>G (p.His544Arg) is a missense variant that results in the substitution of histidine with arginine. This variant is rare in population databases. Computational prediction algorithms are consistent with a deleterious effect. The currently available literature and clinical evidence are not sufficient to establish a definitive association between this variant and the reported condition. Therefore, this variant is classified as a variant of uncertain significance.